The following is an entry in ClinVar:

ClinVar aggregate classification (germline): Pathogenic (1 of 4 stars; one submission).

Conditions:
Fanconi anemia complementation group J. Also called: BRIP1-Related Fanconi Anemia. Identifiers: Orphanet 84, MedGen C1836860, MONDO:0012187, OMIM 609054.
Familial cancer of breast. Also called: BREAST CANCER, FAMILIAL; Hereditary breast cancer; hereditary breast carcinoma. Identifiers: Orphanet 227535, MedGen C0346153, MONDO:0016419, OMIM 114480. Disease mechanism: loss of function.

Submission:

Labcorp Genetics (formerly Invitae), Labcorp
Classification: Pathogenic for Familial cancer of breast; Fanconi anemia complementation group J. Last evaluated: 2023-12-12. Review status: criteria provided, single submitter. Criteria: Invitae Variant Classification Sherloc (09022015). Collection method: clinical testing. Allele origin: germline.
Comment: This sequence change creates a premature translational stop signal (p.Ser895Profs*2) in the BRIP1 gene. It is expected to result in an absent or disrupted protein product. Loss-of-function variants in BRIP1 are known to be pathogenic (PMID: 16116423, 17033622, 21964575). This variant is not present in population databases (gnomAD no frequency). This variant has not been reported in the literature in individuals affected with BRIP1-related conditions. For these reasons, this variant has been classified as Pathogenic.

Literature cited by the submitters: PubMed 16116423; PubMed 17033622; PubMed 21964575.

NM_032043.3(BRIP1):c.2683del (p.Ser895fs)

Gene: BRIP1 (BRCA1 interacting DNA helicase 1; minus strand). Cytogenetic location: 17q23.2.
Variant type: Deletion.
Coding change: c.2683del on transcript NM_032043.3 (MANE Select); coding-DNA position 2683, one base deleted (T; older notation c.2683delT).
Protein change: p.Ser895fs; shifts the reading frame from serine 895.
Molecular consequence: frameshift variant.
Genome position (GRCh38, 1-based): chr17:61,686,058, A deleted on the plus strand (T on the coding strand, the reverse complement: BRIP1 is on the minus strand). VCF-style (leftmost placement, unchanged base first): chr17-61686057-GA-G. GRCh37 (hg19) VCF-style: chr17-59763418-GA-G.
Other names: short protein forms S895fs.
Identifiers: ClinVar variation 2934867 (VCV002934867.3), dbSNP rs2544573186, ClinGen allele CA2740093844.
Genomic context (GRCh38, chr17:61,686,057, plus strand): 5'-TTTAAAGAGGTCACTTCAAGTGTAGACTCATTGTCCTGTATATTGGTTCTGTCCTTTATG[GA>G]TACATTAAGAACTTTTTGATGCTTTTTGGAAAATTCAGCCAAGGATTCCAGTGCACTTTC-3'